The following is an entry in ClinVar:

ClinVar aggregate classification (germline): Uncertain significance (1 of 4 stars; one submission).

gnomAD v4.1: 3 of 1,613,734 alleles (0.00019%); highest among the groups gnomAD compares: Non-Finnish European, 0.00025%; no homozygotes.

Submission:

Labcorp Genetics (formerly Invitae), Labcorp
Classification: Uncertain significance. Last evaluated: 2021-09-17. Review status: criteria provided, single submitter. Criteria: Invitae Variant Classification Sherloc (09022015). Collection method: clinical testing. Allele origin: germline.
Comment: This sequence change replaces arginine with proline at codon 429 of the HPS1 protein (p.Arg429Pro). The arginine residue is moderately conserved and there is a moderate physicochemical difference between arginine and proline. This variant is not present in population databases (ExAC no frequency). This variant has not been reported in the literature in individuals affected with HPS1-related conditions. Algorithms developed to predict the effect of missense changes on protein structure and function are either unavailable or do not agree on the potential impact of this missense change (SIFT: "Tolerated"; PolyPhen-2: "Probably Damaging"; Align-GVGD: "Class C0"). In summary, the available evidence is currently insufficient to determine the role of this variant in disease. Therefore, it has been classified as a Variant of Uncertain Significance.

NM_000195.5(HPS1):c.1286G>C (p.Arg429Pro)

Gene: HPS1 (HPS1 biogenesis of lysosomal organelles complex 3 subunit 1; minus strand). Cytogenetic location: 10q24.2.
Variant type: single nucleotide variant.
Coding change: c.1286G>C on transcript NM_000195.5 (MANE Select); coding-DNA position 1286, G replaced by C.
Protein change: p.Arg429Pro; replaces arginine 429 with proline.
Molecular consequence: missense variant.
Genome position (GRCh38, 1-based): chr10:98,425,590, C>G on the plus strand (G>C on the coding strand, the complement: HPS1 is on the minus strand). VCF-style: chr10-98425590-C-G. GRCh37 (hg19) VCF-style: chr10-100185347-C-G.
Other names: c.314G>C, p.Arg105Pro (NM_001311345.2, NM_001322487.2, NM_001322489.2); c.1286G>C, p.Arg429Pro (NM_001322476.2, NM_001322477.2); c.1187G>C, p.Arg396Pro (NM_001322478.2, NM_001322479.2); c.1025G>C, p.Arg342Pro (NM_001322480.2, NM_001322481.2); c.926G>C, p.Arg309Pro (NM_001322482.2); c.917G>C, p.Arg306Pro (NM_001322483.2, NM_001322484.2); c.818G>C, p.Arg273Pro (NM_001322485.2); short protein forms R273P, R306P, R429P, R342P, R396P, R105P, R309P.
Identifiers: ClinVar variation 1463315 (VCV001463315.5), dbSNP rs201728087, ClinGen allele CA378047680.